The following is an entry in ClinVar:

ClinVar aggregate classification (germline): Uncertain significance (1 of 4 stars; one submission).

Submission:

Labcorp Genetics (formerly Invitae), Labcorp
Classification: Uncertain significance. Last evaluated: 2022-07-05. Review status: criteria provided, single submitter. Criteria: Invitae Variant Classification Sherloc (09022015). Collection method: clinical testing. Allele origin: germline.
Comment: This sequence change replaces aspartic acid, which is acidic and polar, with glycine, which is neutral and non-polar, at codon 2592 of the ADGRV1 protein (p.Asp2592Gly). In summary, the available evidence is currently insufficient to determine the role of this variant in disease. Therefore, it has been classified as a Variant of Uncertain Significance. Algorithms developed to predict the effect of missense changes on protein structure and function are either unavailable or do not agree on the potential impact of this missense change (SIFT: "Deleterious"; PolyPhen-2: "Possibly Damaging"; Align-GVGD: "Class C0"). This variant has not been reported in the literature in individuals affected with ADGRV1-related conditions. This variant is not present in population databases (gnomAD no frequency).

NM_032119.4(ADGRV1):c.7775A>G (p.Asp2592Gly)

Gene: ADGRV1 (adhesion G protein-coupled receptor V1; plus strand). Cytogenetic location: 5q14.3.
Variant type: single nucleotide variant.
Coding change: c.7775A>G on transcript NM_032119.4 (MANE Select); coding-DNA position 7775, A replaced by G.
Protein change: p.Asp2592Gly; replaces aspartic acid 2592 with glycine.
Molecular consequence: missense variant. On other transcripts: non-coding transcript variant (1).
Genome position (GRCh38, 1-based): chr5:90,694,531, A>G. VCF-style: chr5-90694531-A-G. GRCh37 (hg19) VCF-style: chr5-89990348-A-G.
Other names: short protein forms D2592G.
Identifiers: ClinVar variation 2014226 (VCV002014226.4), dbSNP rs1251584893, ClinGen allele CA360381422.